The following is an entry in ClinVar:

ClinVar aggregate classification (germline): Benign; Affects. Review status: no assertion criteria provided (0 of 4 stars). 2 submissions from 2 submitters: Benign (1). Last evaluated 2021-08-06.

Conditions:
SLC28A1-related disorder. Also called: SLC28A1-related condition.
Uridine-cytidineuria. Identifiers: MedGen C4760647, MONDO:0032773, OMIM 618477.

Allele frequency attached by ClinVar (database versions not stated): gnomAD exomes 0.03265 and 0.05830; ESP Exome Variant Server 0.04045; gnomAD 0.04632 and 0.05126; TOPMed 0.05364; ExAC 0.05898; 1000 Genomes Project 30x 0.11555; 1000 Genomes Project 0.12021.
gnomAD v4.1: 56,642 of 1,614,108 alleles (3.5%); highest among the groups gnomAD compares: East Asian, 35%; 3,993 homozygotes.

Submissions (2):

OMIM
Classification: Affects for URIDINE-CYTIDINEURIA. Last evaluated: 2021-08-06. Review status: no assertion criteria provided. Collection method: literature only. Allele origin: germline.

PreventionGenetics, part of Exact Sciences
Classification: Benign for SLC28A1-related condition. Last evaluated: 2020-01-28. Review status: no assertion criteria provided. Collection method: clinical testing. Allele origin: germline.
Comment: This variant is classified as benign based on ACMG/AMP sequence variant interpretation guidelines (Richards et al. 2015 PMID: 25741868, with internal and published modifications).

Literature cited by the submitters: Perez-Torras, S., Mata-Ventosa, A., Drogemoller, B., Tarailo-Graovac, M., Meijer, J., Meinsma, R., van Cruchten, A. G., Kulik, W., Viel-Oliva, A., Bidon-Chanal, A., Ross, C. J., Wassermann, W. W., van Karnebeek, C. D. M., Pastor-Anglada, M., van Kuilenburg, A. B. P. Deficiency of perforin and hCNT1, a novel inborn error of pyrimidine metabolism, associated with a rapidly developing lethal phenotype due to multi-organ failure. Biochim. Biophys. Acta Molec. Basis Dis. 1865: 1182-1191, 2019. (cited by OMIM).

NM_004213.5(SLC28A1):c.1528C>T (p.Arg510Cys)

Gene: SLC28A1 (solute carrier family 28 member 1; plus strand). Cytogenetic location: 15q25.3.
Variant type: single nucleotide variant.
Coding change: c.1528C>T on transcript NM_004213.5 (MANE Select); coding-DNA position 1528, C replaced by T.
Protein change: p.Arg510Cys; replaces arginine 510 with cysteine.
Molecular consequence: missense variant. On other transcripts: intron variant (1).
Genome position (GRCh38, 1-based): chr15:84,935,465, C>T. VCF-style: chr15-84935465-C-T. GRCh37 (hg19) VCF-style: chr15-85478696-C-T.
Other names: SLC28A1, ARG510CYS (rs2242047); c.1528C>T, p.Arg510Cys (NM_001287762.2, NM_001321721.2, NM_001321722.2); c.1084-7980C>T (NM_001287761.2); short protein forms R510C.
Identifiers: ClinVar variation 634888 (VCV000634888.5), dbSNP rs2242047, ClinGen allele CA7710843.
Genomic context (GRCh38, chr15:84,935,465, plus strand): 5'-GGGATCAAGCTGTTTCTGAACGAGTTTGTGGCCTATCAAGACCTCTCCAAGTACAAGCAA[C>T]GCCGCCTGGCAGGGGCCGAGGAGTGGGTCGGCGACAGGAAGCAGTGGATCTCCGTGAGTG-3'
Protein context (NP_004204.3, residues 500-520): AYQDLSKYKQ[Arg510Cys]RLAGAEEWVG